The following is an entry in ClinVar:

ClinVar aggregate classification (germline): Benign/Likely benign. Review status: criteria provided, multiple submitters, no conflicts (2 of 4 stars). 6 submissions from 6 submitters: Benign (2); Likely benign (4). Last evaluated 2026-01-31.

Conditions:
Autoinflammatory syndrome. Identifiers: Orphanet 93665, MedGen C3890737, MONDO:0019751.
Pityriasis rubra pilaris (PRP). Also called: Pityriasis rubra pilaris--familial type. Identifiers: Orphanet 2897, MedGen C0032027, MONDO:0100017, OMIM 173200, MONDO:0008251.
Psoriasis 2. Identifiers: MedGen C1864497, MONDO:0011269, OMIM 602723.

Allele frequency attached by ClinVar (database versions not stated): ESP Exome Variant Server 0.00023; TOPMed 0.00094; gnomAD exomes 0.00129 and 0.00290; gnomAD 0.00168 and 0.00190; 1000 Genomes Project 30x 0.00406; 1000 Genomes Project 0.00459; ExAC 0.00495.
gnomAD v4.1: 2,151 of 1,583,302 alleles (0.14%); highest among the groups gnomAD compares: East Asian, 2%; 20 homozygotes.

Submissions (6):

Labcorp Genetics (formerly Invitae), Labcorp
Classification: Benign for Pityriasis rubra pilaris; Psoriasis 2. Last evaluated: 2026-01-31. Review status: criteria provided, single submitter. Criteria: Invitae Variant Classification Sherloc (09022015). Collection method: clinical testing. Allele origin: germline.

Mayo Clinic Laboratories, Mayo Clinic
Classification: Likely benign. Last evaluated: 2025-05-21. Review status: criteria provided, single submitter. Criteria: ACMG Guidelines, 2015. Collection method: clinical testing. Allele origin: germline. Observed: 5 variant alleles.
Comment: BS1, BS2, BP4

Blueprint Genetics
Classification: Likely benign. Last evaluated: 2024-11-15. Review status: criteria provided, single submitter. Criteria: ACMG Guidelines, 2015. Collection method: clinical testing. Allele origin: germline.

Fulgent Genetics
Classification: Likely benign for Pityriasis rubra pilaris; Psoriasis 2. Last evaluated: 2022-04-28. Review status: criteria provided, single submitter. Criteria: ACMG Guidelines, 2015. Collection method: clinical testing. Allele origin: unknown.

Genome Diagnostics Laboratory, The Hospital for Sick Children
Classification: Likely benign for Autoinflammatory syndrome. Last evaluated: 2017-11-01. Review status: criteria provided, single submitter. Criteria: ACMG Guidelines, 2015. Collection method: clinical testing. Allele origin: germline. Affected: yes.

Breakthrough Genomics
Classification: Benign. Review status: criteria provided, single submitter. Criteria: ACMG Guidelines, 2015. Collection method: not provided. Allele origin: germline. Inheritance: Autosomal dominant inheritance. Affected: yes.

NM_001366385.1(CARD14):c.526G>C (p.Asp176His)

Gene: CARD14 (caspase recruitment domain family member 14; plus strand). Cytogenetic location: 17q25.3.
Variant type: single nucleotide variant.
Coding change: c.526G>C on transcript NM_001366385.1 (MANE Select); coding-DNA position 526, G replaced by C.
Protein change: p.Asp176His; replaces aspartic acid 176 with histidine.
Molecular consequence: missense variant. On other transcripts: non-coding transcript variant (1).
Genome position (GRCh38, 1-based): chr17:80,184,089, G>C. VCF-style: chr17-80184089-G-C. GRCh37 (hg19) VCF-style: chr17-78157888-G-C.
Other names: p.Asp176His; c.526G>C, p.Asp176His (NM_001257970.1, NM_024110.4); short protein forms D176H.
Identifiers: ClinVar variation 527891 (VCV000527891.19), dbSNP rs144475004, ClinGen allele CA8816442.